The following is an entry in ClinVar:

ClinVar aggregate classification (germline): Likely benign (1 of 4 stars; one submission).

Allele frequency attached by ClinVar (database versions not stated): ExAC 0.00016; 1000 Genomes Project 0.00080; 1000 Genomes Project 30x 0.00094.

Submission:

CeGaT Center for Human Genetics Tuebingen
Classification: Likely benign. Last evaluated: 2024-07-01. Review status: criteria provided, single submitter. Criteria: CeGaT Center For Human Genetics Tuebingen Variant Classification Criteria Version 2. Collection method: clinical testing. Allele origin: germline. Affected: yes. Observed: 1 variant allele.
Comment: FLG2: BP4, BP7

NM_001014342.3(FLG2):c.6225G>A (p.Gln2075=)

Genes: CCDST (cervical cancer associated DHX9 suppressive transcript; plus strand), FLG2 (filaggrin 2; minus strand). Cytogenetic location: 1q21.3.
Variant type: single nucleotide variant.
Coding change: c.6225G>A on transcript NM_001014342.3 (MANE Select); coding-DNA position 6225, G replaced by A.
Protein change: p.Gln2075=; no amino-acid change (glutamine 2075 retained).
Molecular consequence: synonymous variant.
Genome position (GRCh38, 1-based): chr1:152,351,561, C>T on the plus strand (G>A on the coding strand, the complement: FLG2 is on the minus strand). VCF-style: chr1-152351561-C-T. GRCh37 (hg19) VCF-style: chr1-152324037-C-T.
Identifiers: ClinVar variation 3250750 (VCV003250750.18), dbSNP rs548213268.